The following is an entry in ClinVar:

ClinVar aggregate classification (germline): Uncertain significance. Review status: criteria provided, multiple submitters, no conflicts (2 of 4 stars). 2 submissions from 2 submitters: Uncertain significance (2). Last evaluated 2025-02-26.

Conditions:
Dyskeratosis congenita. Identifiers: Orphanet 1775, MedGen C0265965, MONDO:0015780.
Inborn genetic diseases. Identifiers: MedGen C0950123, MeSH D030342.

Allele frequency attached by ClinVar (database versions not stated): gnomAD exomes below 0.00001; gnomAD 0.00001; TOPMed 0.00002.
gnomAD v4.1: 7 of 1,613,980 alleles (0.00043%); highest among the groups gnomAD compares: African/African-American, 0.0013%; no homozygotes.

Submissions (2):

Ambry Genetics
Classification: Uncertain significance for Inborn genetic diseases. Last evaluated: 2025-02-26. Review status: criteria provided, single submitter. Criteria: Ambry Variant Classification Scheme 2023. Collection method: clinical testing. Allele origin: germline.

Labcorp Genetics (formerly Invitae), Labcorp
Classification: Uncertain significance for Dyskeratosis congenita. Last evaluated: 2023-09-03. Review status: criteria provided, single submitter. Criteria: Invitae Variant Classification Sherloc (09022015). Collection method: clinical testing. Allele origin: germline.
Comment: This variant has not been reported in the literature in individuals affected with CTC1-related conditions. In summary, the available evidence is currently insufficient to determine the role of this variant in disease. Therefore, it has been classified as a Variant of Uncertain Significance. Algorithms developed to predict the effect of sequence changes on RNA splicing suggest that this variant may disrupt the consensus splice site. Advanced modeling of protein sequence and biophysical properties (such as structural, functional, and spatial information, amino acid conservation, physicochemical variation, residue mobility, and thermodynamic stability) performed at Invitae indicates that this missense variant is not expected to disrupt CTC1 protein function. This variant is not present in population databases (gnomAD no frequency). This sequence change replaces serine, which is neutral and polar, with alanine, which is neutral and non-polar, at codon 252 of the CTC1 protein (p.Ser252Ala).

NM_025099.6(CTC1):c.754T>G (p.Ser252Ala)

Gene: CTC1 (CST telomere replication complex component 1; minus strand). Cytogenetic location: 17p13.1.
Variant type: single nucleotide variant.
Coding change: c.754T>G on transcript NM_025099.6 (MANE Select); coding-DNA position 754, T replaced by G.
Protein change: p.Ser252Ala; replaces serine 252 with alanine.
Molecular consequence: missense variant. On other transcripts: non-coding transcript variant (1).
Genome position (GRCh38, 1-based): chr17:8,237,413, A>C on the plus strand (T>G on the coding strand, the complement: CTC1 is on the minus strand). VCF-style: chr17-8237413-A-C. GRCh37 (hg19) VCF-style: chr17-8140731-A-C.
Other names: c.754T>G (NM_025099.5); c.754T>G, p.Ser252Ala (NM_001411067.1); short protein forms S252A.
Identifiers: ClinVar variation 2850918 (VCV002850918.3), dbSNP rs997398671, ClinGen allele CA287538503.